The following is an entry in ClinVar:

NM_013275.6(ANKRD11):c.3769A>T (p.Lys1257Ter)

Gene: ANKRD11 (ankyrin repeat domain 11; minus strand). Cytogenetic location: 16q24.3.
Variant type: single nucleotide variant.
Coding change: c.3769A>T on transcript NM_013275.6 (MANE Select); coding-DNA position 3769, A replaced by T.
Protein change: p.Lys1257Ter; replaces lysine 1257 with a stop codon.
Molecular consequence: nonsense.
Genome position (GRCh38, 1-based): chr16:89,282,773, T>A on the plus strand (A>T on the coding strand, the complement: ANKRD11 is on the minus strand). VCF-style: chr16-89282773-T-A. GRCh37 (hg19) VCF-style: chr16-89349181-T-A.
Other names: c.3769A>T, p.Lys1257Ter (NM_001256182.2, NM_001256183.2); short protein forms K1257*.
Identifiers: ClinVar variation 4731550 (VCV004731550.1).

ClinVar aggregate classification (germline): Pathogenic (1 of 4 stars; one submission).

Conditions:
KBG syndrome (KBGS). Also called: ANKRD11-Related KBG Syndrome. Identifiers: Orphanet 2332, MedGen C0220687, MONDO:0007846, OMIM 148050.

Submission:

Labcorp Genetics (formerly Invitae), Labcorp
Classification: Pathogenic for KBG syndrome. Last evaluated: 2025-11-25. Review status: criteria provided, single submitter. Criteria: Invitae Variant Classification Sherloc (09022015). Collection method: clinical testing. Allele origin: germline.
Comment: This sequence change creates a premature translational stop signal (p.Lys1257*) in the ANKRD11 gene. It is expected to result in an absent or disrupted protein product. Loss-of-function variants in ANKRD11 are known to be pathogenic (PMID: 21782149, 25125236, 25413698, 25652421). This variant is not present in population databases (gnomAD no frequency). This variant has not been reported in the literature in individuals affected with ANKRD11-related conditions. For these reasons, this variant has been classified as Pathogenic.

Literature cited by the submitters: PubMed 21782149; PubMed 25125236; PubMed 25413698; PubMed 25652421.